The following is an entry in ClinVar:

NM_000059.4(BRCA2):c.9448C>A (p.Pro3150Thr)

Gene: BRCA2 (BRCA2 DNA repair associated; plus strand). Cytogenetic location: 13q13.1.
Variant type: single nucleotide variant.
Coding change: c.9448C>A on transcript NM_000059.4 (MANE Select); coding-DNA position 9448, C replaced by A.
Protein change: p.Pro3150Thr; replaces proline 3150 with threonine.
Molecular consequence: missense variant.
Genome position (GRCh38, 1-based): chr13:32,394,880, C>A. VCF-style: chr13-32394880-C-A. GRCh37 (hg19) VCF-style: chr13-32969017-C-A.
Other names: short protein forms P3150T.
Identifiers: ClinVar variation 922361 (VCV000922361.6), dbSNP rs1481726746, ClinGen allele CA387761620.
Genomic context (GRCh38, chr13:32,394,880, plus strand): 5'-GAATCCAAATCAGGCCTTCTTACTTTATTTGCTGGAGATTTTTCTGTGTTTTCTGCTAGT[C>A]CAAAAGAGGGCCACTTTCAAGAGACATTCAACAAAATGAAAAATACTGTTGAGGTAAGGT-3'
Protein context (NP_000050.3, residues 3140-3160): AGDFSVFSAS[Pro3150Thr]KEGHFQETFN

ClinVar aggregate classification (germline): Uncertain significance. Review status: criteria provided, multiple submitters, no conflicts (2 of 4 stars). 3 submissions from 3 submitters: Uncertain significance (3). Last evaluated 2023-02-22.

Conditions:
Hereditary cancer-predisposing syndrome. Also called: Hereditary Cancer Syndrome; Hereditary neoplastic syndrome; Neoplastic Syndromes, Hereditary; Tumor predisposition. Identifiers: Orphanet 140162, MedGen C0027672, MeSH D009386, MONDO:0015356.
Hereditary breast ovarian cancer syndrome. Also called: BRCA1- and BRCA2-Associated Hereditary Breast and Ovarian Cancer; Hereditary breast and ovarian cancer syndrome; Hereditary breast and ovarian cancer syndrome (HBOC); Breast and ovarian cancer; Hereditary breast and ovarian cancer; Hereditary breast and/or ovarian cancer syndrome. Identifiers: Orphanet 145, MedGen C0677776, MeSH D061325, MONDO:0003582. Disease mechanism: loss of function.
Breast-ovarian cancer, familial, susceptibility to, 2 (BROVCA2). Also called: BRCA2 Hereditary Breast and Ovarian Cancer. Identifiers: Orphanet 145, MedGen C2675520, MONDO:0012933, OMIM 612555. Disease mechanism: loss of function.

Submissions (3):

All of Us Research Program, National Institutes of Health
Classification: Uncertain significance for Breast-ovarian cancer, familial, susceptibility to, 2. Last evaluated: 2023-02-22. Review status: criteria provided, single submitter. Criteria: ACMG Guidelines, 2015. Collection method: clinical testing. Allele origin: germline. Inheritance: Autosomal dominant inheritance. Observed: 1 variant allele, 1 heterozygote.
Comment: This study involves interpretation of variants in research participants for the purpose of population health screening. Participant phenotype was not available at the time of variant classification. Additional details can be found in publication PMID: 35346344, PMCID: PMC8962531

Labcorp Genetics (formerly Invitae), Labcorp
Classification: Uncertain significance for Hereditary breast ovarian cancer syndrome. Last evaluated: 2022-12-03. Review status: criteria provided, single submitter. Criteria: Invitae Variant Classification Sherloc (09022015). Collection method: clinical testing. Allele origin: germline.
Comment: This variant has not been reported in the literature in individuals affected with BRCA2-related conditions. ClinVar contains an entry for this variant (Variation ID: 922361). Advanced modeling of protein sequence and biophysical properties (such as structural, functional, and spatial information, amino acid conservation, physicochemical variation, residue mobility, and thermodynamic stability) performed at Invitae indicates that this missense variant is not expected to disrupt BRCA2 protein function. In summary, the available evidence is currently insufficient to determine the role of this variant in disease. Therefore, it has been classified as a Variant of Uncertain Significance. This sequence change replaces proline, which is neutral and non-polar, with threonine, which is neutral and polar, at codon 3150 of the BRCA2 protein (p.Pro3150Thr). This variant is not present in population databases (gnomAD no frequency).

Color Diagnostics, LLC DBA Color Health
Classification: Uncertain significance for Hereditary cancer-predisposing syndrome. Last evaluated: 2019-05-23. Review status: criteria provided, single submitter. Criteria: ACMG Guidelines, 2015. Collection method: clinical testing. Allele origin: germline.